The following is an entry in ClinVar:

ClinVar aggregate classification (germline): Uncertain significance (1 of 4 stars; one submission).

Conditions:
Dyskeratosis congenita, autosomal dominant 6 (DKCA6). Identifiers: Orphanet 3322, MedGen C4225284, MONDO:0014690, OMIM 616553.

Allele frequency attached by ClinVar (database versions not stated): gnomAD 0.00002; TOPMed 0.00002.

Submission:

Labcorp Genetics (formerly Invitae), Labcorp
Classification: Uncertain significance for Dyskeratosis congenita, autosomal dominant 6. Last evaluated: 2024-04-25. Review status: criteria provided, single submitter. Criteria: Invitae Variant Classification Sherloc (09022015). Collection method: clinical testing. Allele origin: germline.
Comment: This sequence change replaces arginine, which is basic and polar, with glycine, which is neutral and non-polar, at codon 34 of the ACD protein (p.Arg34Gly). The frequency data for this variant in the population databases is considered unreliable, as metrics indicate poor data quality at this position in the gnomAD database. This variant has not been reported in the literature in individuals affected with ACD-related conditions. Algorithms developed to predict the effect of missense changes on protein structure and function output the following: SIFT: "Not Available"; PolyPhen-2: "Benign"; Align-GVGD: "Not Available". The glycine amino acid residue is found in multiple mammalian species, which suggests that this missense change does not adversely affect protein function. In summary, the available evidence is currently insufficient to determine the role of this variant in disease. Therefore, it has been classified as a Variant of Uncertain Significance.

NC_000016.10:g.67660379G>C

Genes: ACD (ACD shelterin complex subunit and telomerase recruitment factor; minus strand), LOC130059224 (ATAC-STARR-seq lymphoblastoid silent region 7617; plus strand). Cytogenetic location: 16q22.1.
Variant type: single nucleotide variant.
Genome position: GRCh38 VCF-style: chr16-67660379-G-C. GRCh37 (hg19) VCF-style: chr16-67694282-G-C.
Identifiers: ClinVar variation 2883898 (VCV002883898.3), dbSNP rs1475506303, ClinGen allele CA396359785.